The following is an entry in ClinVar:

ClinVar aggregate classification (germline): Uncertain significance (1 of 4 stars; one submission).

Conditions:
Koolen-de Vries syndrome (KDVS). Identifiers: Orphanet 96169, MedGen C1864871, MONDO:0012496, OMIM 610443.

Submission:

Labcorp Genetics (formerly Invitae), Labcorp
Classification: Uncertain significance for Koolen-de Vries syndrome. Last evaluated: 2025-09-07. Review status: criteria provided, single submitter. Criteria: Invitae Variant Classification Sherloc (09022015). Collection method: clinical testing. Allele origin: germline.
Comment: This sequence change replaces isoleucine, which is neutral and non-polar, with valine, which is neutral and non-polar, at codon 480 of the KANSL1 protein (p.Ile480Val). This variant is not present in population databases (gnomAD no frequency). This variant has not been reported in the literature in individuals affected with KANSL1-related conditions. Invitae Evidence Modeling of protein sequence and biophysical properties (such as structural, functional, and spatial information, amino acid conservation, physicochemical variation, residue mobility, and thermodynamic stability) indicates that this missense variant is not expected to disrupt KANSL1 protein function with a negative predictive value of 80%. In summary, the available evidence is currently insufficient to determine the role of this variant in disease. Therefore, it has been classified as a Variant of Uncertain Significance.

NM_015443.4(KANSL1):c.1438A>G (p.Ile480Val)

Gene: KANSL1 (KAT8 regulatory NSL complex subunit 1). Cytogenetic location: 17q21.31.
Variant type: single nucleotide variant.
Coding change: c.1438A>G on transcript NM_015443.4 (MANE Select); coding-DNA position 1438, A replaced by G.
Protein change: p.Ile480Val; replaces isoleucine 480 with valine.
Molecular consequence: missense variant. On other transcripts: intron variant (4).
Genome position (GRCh38, 1-based): chr17:46,082,536, T>C on the plus strand (A>G on the coding strand, the complement: KANSL1 is on the minus strand). VCF-style: chr17-46082536-T-C. GRCh37 (hg19) VCF-style: chr17-44159902-T-C.
Other names: c.1438A>G, p.Ile480Val (NM_001405879.1, NM_001405880.1, NM_001193465.2 and 14 more transcripts); c.172A>G, p.Ile58Val (NM_001405882.1, NM_001405883.1, NM_001405884.1 and 1 more transcripts); c.1431+12024A>G (NM_001405881.1, NM_001405861.1, NM_001405859.1 and 1 more transcripts); short protein forms I58V, I480V.
Identifiers: ClinVar variation 4741251 (VCV004741251.1).
Genomic context (GRCh38, chr17:46,082,536, plus strand): 5'-AACTAAGTGGAAGAAATAAGTCTGTTGTATGCTCTGGGGGAGGTACCTCCCCAAGAACTA[T>C]CAACCCCTGCAGGATAGAGAGGAGAAAAATAGCATAAGTGAGCAGTATAAACTTCAAATT-3'
Protein context (NP_056258.1, residues 470-490): YKQIRANKGL[Ile480Val]VLGEVPPPEH